The following is an entry in ClinVar:

NM_000256.3(MYBPC3):c.2197C>A (p.Arg733Ser)

Gene: MYBPC3 (myosin binding protein C3; minus strand). Cytogenetic location: 11p11.2.
Variant type: single nucleotide variant.
Coding change: c.2197C>A on transcript NM_000256.3 (MANE Select); coding-DNA position 2197, C replaced by A.
Protein change: p.Arg733Ser; replaces arginine 733 with serine.
Molecular consequence: missense variant.
Genome position (GRCh38, 1-based): chr11:47,338,631, G>T on the plus strand (C>A on the coding strand, the complement: MYBPC3 is on the minus strand). VCF-style: chr11-47338631-G-T. GRCh37 (hg19) VCF-style: chr11-47360182-G-T.
Other names: p.R733S:CGC>AGC; c.2197C>A, p.Arg733Ser (LRG_386t1); short protein forms R733S.
Identifiers: ClinVar variation 180965 (VCV000180965.2), dbSNP rs397515956, ClinGen allele CA011872.

ClinVar aggregate classification (germline): Uncertain significance (1 of 4 stars; one submission).

Submission:

GeneDx
Classification: Uncertain significance. Last evaluated: 2012-08-01. Review status: criteria provided, single submitter. Criteria: GeneDx Variant Classification (06012015). Collection method: clinical testing. Allele origin: germline. Affected: yes.
Comment: p.Arg733Ser (CGC>AGC):c.2197 C>A in exon 23 of the MYBPC3 gene (NM_000256.3) The Arg733Ser variant in the MYBPC3 gene has not been reported as a disease-causing mutation or as a benign polymorphism to our knowledge. Although Arg733Ser results in a non-conservative amino acid substitution of positively charged Arginine with a neutral, polar Serine, the Arg733 position that not uniformly conserved across species. As a result, in silico analysis predicts Arg733Ser likely has a benign effect on the protein structure/function. However, a different mutation at the same codon (Arg733Ser) has been reported in association with HCM (Van Driest S et al., 2004). In addition, the NHLBI ESP Exome Variant Server reports Arg733Ser was not observed in approximately 4,000 samples from individuals of European and African American backgrounds, indicating it is not a common benign variant in these populations.In summary, the clinical significance of Arg733Ser in the MYBPC3 gene is currently unknown. The variant is found in HCM panel(s).